The following is an entry in ClinVar:

ClinVar aggregate classification (germline): Pathogenic (1 of 4 stars; one submission).

Conditions:
Nance-Horan syndrome (NHS). Identifiers: Orphanet 627, MedGen C0796085, MONDO:0010545, OMIM 302350.

Submission:

Labcorp Genetics (formerly Invitae), Labcorp
Classification: Pathogenic for Nance-Horan syndrome. Last evaluated: 2020-02-28. Review status: criteria provided, single submitter. Criteria: Invitae Variant Classification Sherloc (09022015). Collection method: clinical testing. Allele origin: germline.
Comment: This variant is not present in population databases (ExAC no frequency). This sequence change creates a premature translational stop signal (p.Thr348Asnfs*6) in the NHS gene. It is expected to result in an absent or disrupted protein product. For these reasons, this variant has been classified as Pathogenic. Loss-of-function variants in NHS are known to be pathogenic (PMID: 14564667, 19414485). This variant has not been reported in the literature in individuals with NHS-related conditions.

Literature cited by the submitters: PubMed 14564667; PubMed 19414485.

NM_001291867.2(NHS):c.1105dup (p.Thr369fs)

Gene: NHS (NHS actin remodeling regulator; plus strand). Cytogenetic location: Xp22.13.
Variant type: Duplication.
Coding change: c.1105dup on transcript NM_001291867.2 (MANE Select); coding-DNA position 1105, one base duplicated (A; older notation c.1105dupA).
Protein change: p.Thr369fs; shifts the reading frame from threonine 369.
Molecular consequence: frameshift variant.
Genome position (GRCh38, 1-based): chrX:17,721,630, A duplicated. VCF-style (leftmost placement, unchanged base first): chrX-17721629-T-TA. GRCh37 (hg19) VCF-style: chrX-17739749-T-TA.
Other names: c.574dup, p.Thr192fs (NM_001136024.4); c.511dup, p.Thr171fs (NM_001291868.2); c.1042dup, p.Thr348fs (NM_198270.4); short protein forms T348fs, T171fs, T192fs, T369fs.
Identifiers: ClinVar variation 968764 (VCV000968764.7), dbSNP rs2066406973, ClinGen allele CA1139667303.